The following is an entry in ClinVar:

NM_001903.5(CTNNA1):c.1344G>T (p.Lys448Asn)

Gene: CTNNA1 (catenin alpha 1; plus strand). Cytogenetic location: 5q31.2.
Variant type: single nucleotide variant.
Coding change: c.1344G>T on transcript NM_001903.5 (MANE Select); coding-DNA position 1344, G replaced by T.
Protein change: p.Lys448Asn; replaces lysine 448 with asparagine.
Molecular consequence: missense variant. On other transcripts: intron variant (3), 5 prime UTR variant (6).
Genome position (GRCh38, 1-based): chr5:138,904,396, G>T. VCF-style: chr5-138904396-G-T. GRCh37 (hg19) VCF-style: chr5-138240085-G-T.
Other names: c.234G>T, p.Lys78Asn (NM_001324004.1, NM_001324005.1, NM_001290312.1 and 17 more transcripts); c.1297-13346G>T (NM_001323986.2); c.-164G>T (NM_001324006.1, NM_001324007.1, NM_001324008.1 and 1 more transcripts); c.-10G>T (NM_001324012.1, NM_001324013.1); c.1344G>T, p.Lys448Asn (NM_001290307.3, NM_001323982.2, NM_001323983.1 and 2 more transcripts); c.1035G>T, p.Lys345Asn (NM_001290309.3); c.975G>T, p.Lys325Asn (NM_001290310.3); c.187-13346G>T (NM_001324011.1); and 1 more; short protein forms K78N, K345N, K448N, K325N.
Identifiers: ClinVar variation 3498227 (VCV003498227.3).
Genomic context (GRCh38, chr5:138,904,396, plus strand): 5'-TTTATGTTTATAGGTTGCCAACTTGGCCTGTTCCATCTCAAATAATGAAGAAGGTGTAAA[G>T]CTTGTTCGAATGTCTGCAAGCCAGTTAGAAGCCCTCTGTCCTCAGGTAAAGTACAACTGA-3'
Protein context (NP_001894.2, residues 438-458): CSISNNEEGV[Lys448Asn]LVRMSASQLE

ClinVar aggregate classification (germline): Uncertain significance. Review status: criteria provided, multiple submitters, no conflicts (2 of 4 stars). 2 submissions from 2 submitters: Uncertain significance (2). Last evaluated 2024-12-15.

Conditions:
Hereditary cancer-predisposing syndrome. Also called: Tumor predisposition; Neoplastic Syndromes, Hereditary; Hereditary Cancer Syndrome; Hereditary neoplastic syndrome. Identifiers: Orphanet 140162, MedGen C0027672, MeSH D009386, MONDO:0015356.

Submissions (2):

Labcorp Genetics (formerly Invitae), Labcorp
Classification: Uncertain significance. Last evaluated: 2024-12-15. Review status: criteria provided, single submitter. Criteria: Invitae Variant Classification Sherloc (09022015). Collection method: clinical testing. Allele origin: germline.
Comment: This sequence change replaces lysine, which is basic and polar, with asparagine, which is neutral and polar, at codon 448 of the CTNNA1 protein (p.Lys448Asn). This variant is not present in population databases (gnomAD no frequency). This variant has not been reported in the literature in individuals affected with CTNNA1-related conditions. Invitae Evidence Modeling of protein sequence and biophysical properties (such as structural, functional, and spatial information, amino acid conservation, physicochemical variation, residue mobility, and thermodynamic stability) indicates that this missense variant is not expected to disrupt CTNNA1 protein function with a negative predictive value of 80%. In summary, the available evidence is currently insufficient to determine the role of this variant in disease. Therefore, it has been classified as a Variant of Uncertain Significance.

Ambry Genetics
Classification: Uncertain significance for Hereditary cancer-predisposing syndrome. Last evaluated: 2024-08-19. Review status: criteria provided, single submitter. Criteria: Ambry Variant Classification Scheme 2023. Collection method: clinical testing. Allele origin: germline.
Comment: The p.K448N variant (also known as c.1344G>T), located in coding exon 9 of the CTNNA1 gene, results from a G to T substitution at nucleotide position 1344. The lysine at codon 448 is replaced by asparagine, an amino acid with similar properties. This amino acid position is conserved. In addition, this alteration is predicted to be tolerated by in silico analysis. Based on the available evidence, the clinical significance of this variant remains unclear.